The following is an entry in ClinVar:

NM_004082.5(DCTN1):c.949C>T (p.Arg317Trp)

Gene: DCTN1 (dynactin subunit 1; minus strand). Cytogenetic location: 2p13.1.
Variant type: single nucleotide variant.
Coding change: c.949C>T on transcript NM_004082.5 (MANE Select); coding-DNA position 949, C replaced by T.
Protein change: p.Arg317Trp; replaces arginine 317 with tryptophan.
Molecular consequence: missense variant. On other transcripts: non-coding transcript variant (1).
Genome position (GRCh38, 1-based): chr2:74,370,720, G>A on the plus strand (C>T on the coding strand, the complement: DCTN1 is on the minus strand). VCF-style: chr2-74370720-G-A. GRCh37 (hg19) VCF-style: chr2-74597847-G-A.
Other names: c.889C>T, p.Arg297Trp (NM_001135040.3); c.547C>T, p.Arg183Trp (NM_001135041.3, NM_023019.4); c.838C>T, p.Arg280Trp (NM_001190836.2); c.928C>T, p.Arg310Trp (NM_001190837.2); c.898C>T, p.Arg300Trp (NM_001378991.1); c.880C>T, p.Arg294Trp (NM_001378992.1); short protein forms R183W, R280W, R297W, R317W, R294W, R300W, R310W.
Identifiers: ClinVar variation 1964981 (VCV001964981.5), dbSNP rs1674774540, ClinGen allele CA347364567.

ClinVar aggregate classification (germline): Uncertain significance (1 of 4 stars; one submission).

Conditions:
Amyotrophic lateral sclerosis type 1 (ALS1). Also called: AMYOTROPHIC LATERAL SCLEROSIS 1, FAMILIAL. Identifiers: Orphanet 803, MedGen C1862939, MONDO:0007103, OMIM 105400.
Neuronopathy, distal hereditary motor, type 7B. Also called: NEURONOPATHY, DISTAL HEREDITARY MOTOR, AUTOSOMAL DOMINANT 14; NEURONOPATHY, DISTAL HEREDITARY MOTOR, HARDING TYPE VIIB; NEUROPATHY, DISTAL HEREDITARY MOTOR, HARDING TYPE VIIB; NEUROPATHY, DISTAL HEREDITARY MOTOR, WITH VOCAL CORD PARALYSIS, HARDING TYPE VIIB; HMN VIIB; LOWER MOTOR NEURON DISEASE, DYNACTIN TYPE. Identifiers: Orphanet 139589, MedGen C1843315, MONDO:0011879, OMIM 607641.
Perry syndrome. Also called: PARKINSONISM WITH ALVEOLAR HYPOVENTILATION AND MENTAL DEPRESSION. Identifiers: Orphanet 178509, MedGen C1868594, MONDO:0008201, OMIM 168605.

Submission:

Labcorp Genetics (formerly Invitae), Labcorp
Classification: Uncertain significance for Amyotrophic lateral sclerosis type 1; Neuronopathy, distal hereditary motor, type 7B; Perry syndrome. Last evaluated: 2022-02-01. Review status: criteria provided, single submitter. Criteria: Invitae Variant Classification Sherloc (09022015). Collection method: clinical testing. Allele origin: germline.
Comment: Algorithms developed to predict the effect of missense changes on protein structure and function (SIFT, PolyPhen-2, Align-GVGD) all suggest that this variant is likely to be disruptive. In summary, the available evidence is currently insufficient to determine the role of this variant in disease. Therefore, it has been classified as a Variant of Uncertain Significance. This sequence change replaces arginine, which is basic and polar, with tryptophan, which is neutral and slightly polar, at codon 317 of the DCTN1 protein (p.Arg317Trp). This variant is not present in population databases (gnomAD no frequency). This variant has not been reported in the literature in individuals affected with DCTN1-related conditions.